The following is an entry in ClinVar:

ClinVar aggregate classification (germline): Likely pathogenic (1 of 4 stars; one submission).

Conditions:
Niemann-Pick disease, type B. Also called: Chronic Visceral ASMD (Niemann-Pick Disease Type B; NPD-B). Identifiers: Orphanet 77293, MedGen C0268243, MONDO:0011871, OMIM 607616. Disease mechanism: loss of function.
Niemann-Pick disease, type A. Also called: SPHINGOMYELIN LIPIDOSIS; SPHINGOMYELINASE DEFICIENCY; Infantile Neurovisceral ASMD (Niemann-Pick Disease Type A; NPD-A). Identifiers: Orphanet 77292, MedGen C0268242, MONDO:0009756, OMIM 257200. Disease mechanism: loss of function.

Submission:

Juno Genomics, Hangzhou Juno Genomics, Inc
Classification: Likely pathogenic for Niemann-Pick disease, type A; Niemann-Pick disease, type B. Review status: criteria provided, single submitter. Criteria: ACMG Guidelines, 2015. Collection method: clinical testing. Allele origin: germline.
Comment: Absent from controls (or at extremely low frequency if recessive) in Genome Aggregation Database.;Multiple lines of computational evidence support a deleterious effect on the gene or gene product.;For recessive disorders, detected in trans with a pathogenic variant.;Patient's phenotype or family history is highly specific for a disease with a single genetic etiology.

NM_000543.5(SMPD1):c.398G>A (p.Cys133Tyr)

Gene: SMPD1 (sphingomyelin phosphodiesterase 1; plus strand). Cytogenetic location: 11p15.4.
Variant type: single nucleotide variant.
Coding change: c.398G>A on transcript NM_000543.5 (MANE Select); coding-DNA position 398, G replaced by A.
Protein change: p.Cys133Tyr; replaces cysteine 133 with tyrosine.
Molecular consequence: missense variant. On other transcripts: 5 prime UTR variant (1), non-coding transcript variant (2).
Genome position (GRCh38, 1-based): chr11:6,391,463, G>A. VCF-style: chr11-6391463-G-A. GRCh37 (hg19) VCF-style: chr11-6412693-G-A.
Other names: c.395G>A, p.Cys132Tyr (NM_001007593.3); c.398G>A, p.Cys133Tyr (NM_001318087.2, NM_001365135.2); c.-564G>A (NM_001318088.2); short protein forms C132Y, C133Y.
Identifiers: ClinVar variation 5018841 (VCV005018841.2).